The following is an entry in ClinVar:

ClinVar aggregate classification (germline): Uncertain significance (1 of 4 stars; one submission).

Conditions:
Melanoma, cutaneous malignant, susceptibility to, 5. Also called: Cutaneous malignant melanoma 5. Identifiers: Orphanet 618, MedGen C2751295, MONDO:0013133, OMIM 613099.

Submission:

Labcorp Genetics (formerly Invitae), Labcorp
Classification: Uncertain significance for Melanoma, cutaneous malignant, susceptibility to, 5. Last evaluated: 2024-06-24. Review status: criteria provided, single submitter. Criteria: Invitae Variant Classification Sherloc (09022015). Collection method: clinical testing. Allele origin: germline.
Comment: This sequence change creates a premature translational stop signal (p.Phe195*) in the MC1R gene. While this is not anticipated to result in nonsense mediated decay, it is expected to disrupt the last 123 amino acid(s) of the MC1R protein. Information on the frequency of this variant in the gnomAD database is not available, as this variant may be reported differently in the database. This variant has not been reported in the literature in individuals affected with MC1R-related conditions. ClinVar contains an entry for this variant (Variation ID: 2007810). Experimental studies and prediction algorithms are not available or were not evaluated, and the functional significance of this variant is currently unknown. In summary, the available evidence is currently insufficient to determine the role of this variant in disease. Therefore, it has been classified as a Variant of Uncertain Significance.

NM_002386.4(MC1R):c.584_585delinsAG (p.Phe195Ter)

Gene: MC1R (melanocortin 1 receptor; plus strand). Cytogenetic location: 16q24.3.
Variant type: Indel.
Coding change: c.584_585delinsAG on transcript NM_002386.4 (MANE Select); coding-DNA positions 584 to 585, TC replaced by AG.
Protein change: p.Phe195Ter; replaces phenylalanine 195 with a stop codon.
Molecular consequence: nonsense.
Genome position (GRCh38, 1-based): chr16:89,919,842-89,919,843, TC replaced by AG. VCF-style: chr16-89919842-TC-AG. GRCh37 (hg19) VCF-style: chr16-89986250-TC-AG.
Other names: short protein forms F195*.
Identifiers: ClinVar variation 2007810 (VCV002007810.4), dbSNP rs2544609943, ClinGen allele CA2580092414.